The following is an entry in ClinVar:

ClinVar aggregate classification (germline): Benign/Likely benign. Review status: criteria provided, multiple submitters, no conflicts (2 of 4 stars). 7 submissions from 7 submitters: Benign (3); Likely benign (4). Last evaluated 2025-11-08.

Conditions:
TRIOBP-related disorder. Also called: TRIOBP-related condition.
Autosomal recessive nonsyndromic hearing loss 28. Identifiers: Orphanet 90636, MedGen C1853276, MONDO:0012355, OMIM 609823.

Allele frequency attached by ClinVar (database versions not stated): gnomAD 0.00020 and 0.00049; ESP Exome Variant Server 0.00024; TOPMed 0.00026; gnomAD exomes 0.00067; 1000 Genomes Project 30x 0.00187; 1000 Genomes Project 0.00220.
gnomAD v4.1: 1,079 of 1,603,404 alleles (0.067%); highest among the groups gnomAD compares: South Asian, 0.65%; 6 homozygotes.

Submissions (7):

Labcorp Genetics (formerly Invitae), Labcorp
Classification: Benign. Last evaluated: 2025-11-08. Review status: criteria provided, single submitter. Criteria: Invitae Variant Classification Sherloc (09022015). Collection method: clinical testing. Allele origin: germline.

PreventionGenetics, part of Exact Sciences
Classification: Likely benign for TRIOBP-related condition. Last evaluated: 2025-06-10. Review status: criteria provided, single submitter. Criteria: ACMG Guidelines, 2015. Collection method: clinical testing. Allele origin: germline.
Comment: This variant is classified as likely benign based on ACMG/AMP sequence variant interpretation guidelines (Richards et al. 2015 PMID: 25741868, with internal and published modifications).

CeGaT Center for Human Genetics Tuebingen
Classification: Likely benign. Last evaluated: 2025-02-01. Review status: criteria provided, single submitter. Criteria: CeGaT Center For Human Genetics Tuebingen Variant Classification Criteria Version 2. Collection method: clinical testing. Allele origin: germline. Affected: yes. Observed: 1 variant allele.
Comment: TRIOBP: BS2

Blueprint Genetics
Classification: Likely benign. Last evaluated: 2024-08-17. Review status: criteria provided, single submitter. Criteria: ACMG Guidelines, 2015. Collection method: clinical testing. Allele origin: germline.

Department of Pathology and Laboratory Medicine, Sinai Health System
Classification: Likely benign for Autosomal recessive nonsyndromic hearing loss 28. Last evaluated: 2022-04-08. Review status: criteria provided, single submitter. Criteria: ACMG Guidelines, 2015. Collection method: research. Allele origin: germline.

GeneDx
Classification: Benign. Last evaluated: 2020-01-17. Review status: criteria provided, single submitter. Criteria: GeneDx Variant Classification Process June 2021. Collection method: clinical testing. Allele origin: germline. Affected: yes.
Comment: This variant is associated with the following publications: (PMID: 27984600)

Eurofins Ntd Llc (ga)
Classification: Benign. Last evaluated: 2016-03-16. Review status: criteria provided, single submitter. Criteria: EGL Classification Definitions 2015. Collection method: clinical testing. Allele origin: germline. Observed: 1 variant allele, 1 heterozygote.

NM_001039141.3(TRIOBP):c.3074G>A (p.Arg1025Gln)

Gene: TRIOBP (TRIO and F-actin binding protein; plus strand). Cytogenetic location: 22q13.1.
Variant type: single nucleotide variant.
Coding change: c.3074G>A on transcript NM_001039141.3 (MANE Select); coding-DNA position 3074, G replaced by A.
Protein change: p.Arg1025Gln; replaces arginine 1025 with glutamine.
Molecular consequence: missense variant.
Genome position (GRCh38, 1-based): chr22:37,725,630, G>A. VCF-style: chr22-37725630-G-A. GRCh37 (hg19) VCF-style: chr22-38121637-G-A.
Other names: short protein forms R1025Q.
Identifiers: ClinVar variation 286748 (VCV000286748.30), dbSNP rs368593552, ClinGen allele CA10224021.